The following is an entry in ClinVar:

ClinVar aggregate classification (germline): Likely benign (1 of 4 stars; one submission).

Submission:

CeGaT Center for Human Genetics Tuebingen
Classification: Likely benign. Last evaluated: 2026-05-01. Review status: criteria provided, single submitter. Criteria: CeGaT Center For Human Genetics Tuebingen Variant Classification Criteria Version 2. Collection method: clinical testing. Allele origin: germline. Affected: yes. Observed: 1 variant allele.
Comment: ZFHX2: PM2:Supporting, BP4, BP7

NM_033400.3(ZFHX2):c.3648T>A (p.Leu1216=)

Genes: ZFHX2 (zinc finger homeobox 2; minus strand), THTPA (thiamine triphosphatase; plus strand). Cytogenetic location: 14q11.2.
Variant type: single nucleotide variant.
Coding change: c.3648T>A on transcript NM_033400.3 (MANE Select); coding-DNA position 3648, T replaced by A.
Protein change: p.Leu1216=; no amino-acid change (leucine 1216 retained).
Molecular consequence: synonymous variant.
Genome position (GRCh38, 1-based): chr14:23,526,294, A>T on the plus strand (T>A on the coding strand, the complement: ZFHX2 is on the minus strand). VCF-style: chr14-23526294-A-T. GRCh37 (hg19) VCF-style: chr14-23995503-A-T.
Identifiers: ClinVar variation 4874976 (VCV004874976.2).